The following is an entry in ClinVar:

NM_000064.4(C3):c.2341C>T (p.Pro781Ser)

Gene: C3 (complement C3; minus strand). Cytogenetic location: 19p13.3.
Variant type: single nucleotide variant.
Coding change: c.2341C>T on transcript NM_000064.4 (MANE Select); coding-DNA position 2341, C replaced by T.
Protein change: p.Pro781Ser; replaces proline 781 with serine.
Molecular consequence: missense variant.
Genome position (GRCh38, 1-based): chr19:6,702,484, G>A on the plus strand (C>T on the coding strand, the complement: C3 is on the minus strand). VCF-style: chr19-6702484-G-A. GRCh37 (hg19) VCF-style: chr19-6702495-G-A.
Other names: short protein forms P781S.
Identifiers: ClinVar variation 2706958 (VCV002706958.3), dbSNP rs2512254040, ClinGen allele CA403635408.

ClinVar aggregate classification (germline): Uncertain significance (1 of 4 stars; one submission).

Allele frequency attached by ClinVar (database versions not stated): gnomAD exomes below 0.00001.
gnomAD v4.1: 1 of 1,612,170 alleles (0.000062%); highest among the groups gnomAD compares: Non-Finnish European, 0.000085%; no homozygotes.

Submission:

Labcorp Genetics (formerly Invitae), Labcorp
Classification: Uncertain significance. Last evaluated: 2024-01-01. Review status: criteria provided, single submitter. Criteria: Invitae Variant Classification Sherloc (09022015). Collection method: clinical testing. Allele origin: germline.
Comment: This sequence change replaces proline, which is neutral and non-polar, with serine, which is neutral and polar, at codon 781 of the C3 protein (p.Pro781Ser). This variant is not present in population databases (gnomAD no frequency). This variant has not been reported in the literature in individuals affected with C3-related conditions. Advanced modeling of protein sequence and biophysical properties (such as structural, functional, and spatial information, amino acid conservation, physicochemical variation, residue mobility, and thermodynamic stability) performed at Invitae indicates that this missense variant is not expected to disrupt C3 protein function with a negative predictive value of 80%. In summary, the available evidence is currently insufficient to determine the role of this variant in disease. Therefore, it has been classified as a Variant of Uncertain Significance.